The following is an entry in ClinVar:

NM_006486.3(FBLN1):c.1973-5C>T

Gene: FBLN1 (fibulin 1; plus strand). Cytogenetic location: 22q13.31.
Variant type: single nucleotide variant.
Coding change: c.1973-5C>T on transcript NM_006486.3 (MANE Select); 5 bases into the intron before coding-DNA position 1973, C replaced by T.
Molecular consequence: intron variant.
Genome position (GRCh38, 1-based): chr22:45,600,302, C>T. VCF-style: chr22-45600302-C-T. GRCh37 (hg19) VCF-style: chr22-45996182-C-T.
Other names: c.1973-5C>T (NM_006486.2).
Identifiers: ClinVar variation 1552664 (VCV001552664.10), dbSNP rs376739185, ClinGen allele CA10287358.

ClinVar aggregate classification (germline): Benign. Review status: criteria provided, single submitter (1 of 4 stars). 2 submissions from 2 submitters: Benign (1). 1 of the submissions does not count toward it. Last evaluated 2025-04-07.

Conditions:
FBLN1-related disorder. Also called: FBLN1-related condition.

Allele frequency attached by ClinVar (database versions not stated): ESP Exome Variant Server 0.00015; ExAC 0.00030; gnomAD exomes 0.00033; 1000 Genomes Project 30x 0.00047; 1000 Genomes Project 0.00060.
gnomAD v4.1: 363 of 1,614,224 alleles (0.022%); highest among the groups gnomAD compares: East Asian, 0.24%; no homozygotes.

Submissions (2):

Labcorp Genetics (formerly Invitae), Labcorp
Classification: Benign. Last evaluated: 2025-04-07. Review status: criteria provided, single submitter. Criteria: Invitae Variant Classification Sherloc (09022015). Collection method: clinical testing. Allele origin: germline.

PreventionGenetics, part of Exact Sciences
Classification: Likely benign for FBLN1-related condition. Last evaluated: 2019-10-16. Review status: no assertion criteria provided. Collection method: clinical testing. Allele origin: germline. Not counted in ClinVar's aggregate classification.
Comment: This variant is classified as likely benign based on ACMG/AMP sequence variant interpretation guidelines (Richards et al. 2015 PMID: 25741868, with internal and published modifications).